The following is an entry in ClinVar:

NM_000525.4(KCNJ11):c.*487A>G

Gene: KCNJ11 (potassium inwardly rectifying channel subfamily J member 11; minus strand). Cytogenetic location: 11p15.1.
Variant type: single nucleotide variant.
Coding change: c.*487A>G on transcript NM_000525.4 (MANE Select); 487 bases downstream of the stop codon, A replaced by G.
Molecular consequence: 3 prime UTR variant.
Genome position (GRCh38, 1-based): chr11:17,386,432, T>C on the plus strand (A>G on the coding strand, the complement: KCNJ11 is on the minus strand). VCF-style: chr11-17386432-T-C. GRCh37 (hg19) VCF-style: chr11-17407979-T-C.
Other names: c.*487A>G (NM_001166290.2, NM_001377296.1, NM_001377297.1).
Identifiers: ClinVar variation 303721 (VCV000303721.7), dbSNP rs79457490, ClinGen allele CA10634185.
Genomic context (GRCh38, chr11:17,386,432, plus strand): 5'-GCCCCAGGCTGTCCCTGCCGGTGTAGGCTCCACAGCACCAACCCTCCAGCGGGAACACCC[T>C]CTCTCATCAACTGCCCTCCCTGCTGGCCAGGCCCAGCCCTTAGCCAGGTGCTTTTTCAGG-3'

ClinVar aggregate classification (germline): Conflicting classifications of pathogenicity. Review status: criteria provided, conflicting classifications (1 of 4 stars). 5 submissions from 3 submitters: Uncertain significance (2); Benign (2); Likely benign (1). Last evaluated 2021-10-24.

Conditions:
Maturity-onset diabetes of the young type 13. Also called: MODY, TYPE 13. Identifiers: Orphanet 552, MedGen C4225365, MONDO:0014589, OMIM 616329.
Maturity-onset diabetes of the young (MODY). Also called: Maturity onset diabetes mellitus in young. Identifiers: Orphanet 552, MedGen C0342276, MONDO:0018911, HP:0004904.
Diabetes mellitus, transient neonatal, 3 (TNDM3). Identifiers: Orphanet 99886, MedGen C1864623, MONDO:0012522, OMIM 610582. Disease mechanism: loss of function.
Hyperinsulinemic hypoglycemia, familial, 2. Also called: HYPERINSULINEMIC HYPOGLYCEMIA, PERSISTENT; HYPERINSULINISM, NEONATAL. Identifiers: Orphanet 276580, Orphanet 276603, MedGen C2931833, MONDO:0011153, OMIM 601820. Disease mechanism: loss of function.

Allele frequency attached by ClinVar (database versions not stated): gnomAD exomes 0.00047; gnomAD 0.00553 and 0.00588; TOPMed 0.00630; 1000 Genomes Project 0.00779; 1000 Genomes Project 30x 0.00859.

Submissions (5):

GeneDx
Classification: Likely benign. Last evaluated: 2021-10-24. Review status: criteria provided, single submitter. Criteria: GeneDx Variant Classification Process June 2021. Collection method: clinical testing. Allele origin: germline. Affected: yes.
Comment: See Variant Classification Assertion Criteria.

Illumina Laboratory Services, Illumina
Classification: Benign for Diabetes mellitus, transient neonatal, 3. Last evaluated: 2018-01-12. Review status: criteria provided, single submitter. Criteria: ICSL Variant Classification Criteria 13 December 2019. Collection method: clinical testing. Allele origin: germline.
Comment: This variant was observed in the ICSL laboratory as part of a predisposition screen in an ostensibly healthy population. It had not been previously curated by ICSL or reported in the Human Gene Mutation Database (HGMD: prior to June 1st, 2018), and was therefore a candidate for classification through an automated scoring system. Utilizing variant allele frequency, disease prevalence and penetrance estimates, and inheritance mode, an automated score was calculated to assess if this variant is too frequent to cause the disease. Based on the score and internal cut-off values, a variant classified as benign is not then subjected to further curation. The score for this variant resulted in a classification of benign for this disease.

Illumina Laboratory Services, Illumina
Classification: Uncertain significance for Hyperinsulinemic hypoglycemia, familial, 2. Last evaluated: 2018-01-12. Review status: criteria provided, single submitter. Criteria: ICSL Variant Classification Criteria 13 December 2019. Collection method: clinical testing. Allele origin: germline.

Illumina Laboratory Services, Illumina
Classification: Benign for Maturity-onset diabetes of the young type 13. Last evaluated: 2018-01-12. Review status: criteria provided, single submitter. Criteria: ICSL Variant Classification Criteria 13 December 2019. Collection method: clinical testing. Allele origin: germline.
Comment: the same text as in the submission from Illumina Laboratory Services, Illumina above.

Clinical Genomics, Uppaluri K&H Personalized Medicine Clinic
Classification: Uncertain significance for Maturity-onset diabetes of the young. Review status: criteria provided, single submitter. Criteria: K & H Uppaluri Personalized Medicine Clinic Variant Classification & Assertion Criteria_Updated V.1. Collection method: research. Allele origin: somatic. Inheritance: Autosomal dominant inheritance.
Comment: Mutations in KCNJ11 gene can cause decreased production and secretion of insulin. This can lead to MODY which may be responsive to oral sulfonylureas. It is also associated with Neonatal Diabetes. However, no sufficient evidence is found to ascertain the role of this particular variant (rs79457490) in MODY yet.

Literature cited by the submitters: PubMed 26448950 (cited by Clinical Genomics, Uppaluri K&H Personalized Medicine Clinic); PubMed 15580558 (cited by Clinical Genomics, Uppaluri K&H Personalized Medicine Clinic); PubMed 15718250 (cited by Clinical Genomics, Uppaluri K&H Personalized Medicine Clinic); PubMed 32935446 (cited by Clinical Genomics, Uppaluri K&H Personalized Medicine Clinic); PubMed 22701567 (cited by Clinical Genomics, Uppaluri K&H Personalized Medicine Clinic).